The following is an entry in ClinVar:

NM_001130438.3(SPTAN1):c.7161-9C>T

Gene: SPTAN1 (spectrin alpha, non-erythrocytic 1; plus strand). Cytogenetic location: 9q34.11.
Variant type: single nucleotide variant.
Coding change: c.7161-9C>T on transcript NM_001130438.3 (MANE Select); 9 bases into the intron before coding-DNA position 7161, C replaced by T.
Molecular consequence: intron variant.
Genome position (GRCh38, 1-based): chr9:128,632,799, C>T. VCF-style: chr9-128632799-C-T. GRCh37 (hg19) VCF-style: chr9-131395078-C-T.
Other names: p.?; c.7224-9C>T (NM_001363759.2); c.7146-9C>T (NM_003127.4); c.7101-9C>T (NM_001363765.2); c.7086-9C>T (NM_001195532.2).
Identifiers: ClinVar variation 139316 (VCV000139316.28), dbSNP rs187613754, ClinGen allele CA173599.
Genomic context (GRCh38, chr9:128,632,799, plus strand): 5'-TGCTGTGAGCCTCTGCCCGGGGCACCCACCTGCCCTCCCTGCTCAGGCTCTTGCTTCCCC[C>T]GCTCCTAGAGATGGCCATGTCTCCTTGCAAGAATACATGGCTTTCATGATCAGCCGCGAA-3'

ClinVar aggregate classification (germline): Conflicting classifications of pathogenicity. Review status: criteria provided, conflicting classifications (1 of 4 stars). 10 submissions from 10 submitters: Uncertain significance (2); Benign (4); Likely benign (1). 3 of the submissions do not count toward it. Last evaluated 2025-12-21.

Conditions:
Early-infantile DEE. Also called: Early infantile epileptic encephalopathy with suppression bursts; Early infantile epileptic encephalopathy; Ohtahara syndrome. Identifiers: Orphanet 1934, MedGen C0393706, MONDO:0800491.
SPTAN1-related disorder. Also called: SPTAN1-related disorders; SPTAN1-related condition.
Developmental and epileptic encephalopathy, 5 (DEE5). Identifiers: Orphanet 3451, MedGen C3150731, MONDO:0013277, OMIM 613477.

Allele frequency attached by ClinVar (database versions not stated): ESP Exome Variant Server 0.00023; gnomAD 0.00056 and 0.00061; 1000 Genomes Project 0.00060; 1000 Genomes Project 30x 0.00062; TOPMed 0.00066.
gnomAD v4.1: 483 of 1,614,072 alleles (0.03%); highest among the groups gnomAD compares: African/African-American, 0.13%; 1 homozygote.

Submissions (10):

Labcorp Genetics (formerly Invitae), Labcorp
Classification: Benign for Early-infantile DEE. Last evaluated: 2025-12-21. Review status: criteria provided, single submitter. Criteria: Invitae Variant Classification Sherloc (09022015). Collection method: clinical testing. Allele origin: germline.

Mayo Clinic Laboratories, Mayo Clinic
Classification: Benign. Last evaluated: 2025-06-02. Review status: criteria provided, single submitter. Criteria: ACMG Guidelines, 2015. Collection method: clinical testing. Allele origin: germline. Observed: 3 variant alleles.
Comment: BS1, BS2, BP4, BP7

Blueprint Genetics
Classification: Likely benign. Last evaluated: 2024-10-21. Review status: criteria provided, single submitter. Criteria: ACMG Guidelines, 2015. Collection method: clinical testing. Allele origin: germline.

Genome-Nilou Lab
Classification: Benign for Developmental and epileptic encephalopathy, 5. Last evaluated: 2021-07-15. Review status: criteria provided, single submitter. Criteria: ACMG Guidelines, 2015. Collection method: clinical testing. Allele origin: germline. Affected: no.

Eurofins Ntd Llc (ga)
Classification: Uncertain significance. Last evaluated: 2015-11-02. Review status: criteria provided, single submitter. Criteria: EGL Classification Definitions 2015. Collection method: clinical testing. Allele origin: germline. Observed: 1 variant allele, 1 heterozygote.

Genetic Services Laboratory, University of Chicago
Classification: Uncertain significance for Epileptic encephalopathy, early infantile, 5. Last evaluated: 2014-05-06. Review status: criteria provided, single submitter. Criteria: ACMG Guidelines, 2015. Collection method: clinical testing. Allele origin: germline. Inheritance: Autosomal dominant inheritance.

GeneDx
Classification: Benign. Last evaluated: 2013-08-01. Review status: criteria provided, single submitter. Criteria: GeneDx Variant Classification (06012015). Collection method: clinical testing. Allele origin: germline. Affected: yes.
Comment: This variant is considered likely benign or benign based on one or more of the following criteria: it is a conservative change, it occurs at a poorly conserved position in the protein, it is predicted to be benign by multiple in silico algorithms, and/or has population frequency not consistent with disease.

PreventionGenetics, part of Exact Sciences
Classification: Likely benign for SPTAN1-related condition. Last evaluated: 2019-07-10. Review status: no assertion criteria provided. Collection method: clinical testing. Allele origin: germline. Not counted in ClinVar's aggregate classification.
Comment: This variant is classified as likely benign based on ACMG/AMP sequence variant interpretation guidelines (Richards et al. 2015 PMID: 25741868, with internal and published modifications).

Clinical Genetics DNA and cytogenetics Diagnostics Lab, Erasmus MC, Erasmus Medical Center
Classification: Likely benign. Review status: no assertion criteria provided. Collection method: clinical testing. Allele origin: germline. Affected: yes. Study: VKGL Data-share Consensus. Not counted in ClinVar's aggregate classification.

Genome Diagnostics Laboratory, University Medical Center Utrecht
Classification: Likely benign. Review status: no assertion criteria provided. Collection method: clinical testing. Allele origin: germline. Affected: yes. Study: VKGL Data-share Consensus. Not counted in ClinVar's aggregate classification.